The following is an entry in ClinVar:

ClinVar aggregate classification (germline): Uncertain significance (1 of 4 stars; one submission).

Conditions:
PRDM12-related disorder. Also called: PRDM12-related condition.

gnomAD v4.1: 21 of 979,128 alleles (0.0021%); highest among the groups gnomAD compares: Non-Finnish European, 0.0023%; no homozygotes.

Submission:

PreventionGenetics, part of Exact Sciences
Classification: Uncertain significance for PRDM12-related condition. Last evaluated: 2026-06-01. Review status: criteria provided, single submitter. Criteria: ACMG Guidelines, 2015. Collection method: clinical testing. Allele origin: germline.
Comment: The PRDM12 c.1088C>G variant is predicted to result in the amino acid substitution p.Pro363Arg. To our knowledge, this variant has not been reported in the literature or in a large population database (gnomAD), indicating this variant is rare. At this time, the clinical significance of this variant is uncertain due to the absence of conclusive functional and genetic evidence.

NM_021619.3(PRDM12):c.1088C>G (p.Pro363Arg)

Gene: PRDM12 (PR/SET domain 12; plus strand). Cytogenetic location: 9q34.12.
Variant type: single nucleotide variant.
Coding change: c.1088C>G on transcript NM_021619.3 (MANE Select); coding-DNA position 1088, C replaced by G.
Protein change: p.Pro363Arg; replaces proline 363 with arginine.
Molecular consequence: missense variant.
Genome position (GRCh38, 1-based): chr9:130,681,653, C>G. VCF-style: chr9-130681653-C-G. GRCh37 (hg19) VCF-style: chr9-133557040-C-G.
Other names: short protein forms P363R.
Identifiers: ClinVar variation 4985090 (VCV004985090.1).
Genomic context (GRCh38, chr9:130,681,653, plus strand): 5'-ACGCGCCCGCGCTCGCCGCCGCCGCCGCCGCCGCCGCCGCCGCCGCCGCGCACCACCTGC[C>G]GGCCATGGTGCTGTGAGCGCGCCCGCGCCCCCGCCGGGCCCCGCGCGCTCCTGGGTCCCC-3'
Protein context (NP_067632.2, residues 353-367): AAAAAAAHHL[Pro363Arg]AMVL